The following is an entry in ClinVar:

ClinVar aggregate classification (germline): Conflicting classifications of pathogenicity. Review status: criteria provided, conflicting classifications (1 of 4 stars). 7 submissions from 7 submitters: Uncertain significance (6); Likely benign (1). Last evaluated 2025-06-15.

Conditions:
Breast-ovarian cancer, familial, susceptibility to, 2 (BROVCA2). Also called: BRCA2 Hereditary Breast and Ovarian Cancer. Identifiers: Orphanet 145, MedGen C2675520, MONDO:0012933, OMIM 612555. Disease mechanism: loss of function.
Hereditary cancer-predisposing syndrome. Also called: Hereditary neoplastic syndrome; Tumor predisposition; Neoplastic Syndromes, Hereditary; Hereditary Cancer Syndrome. Identifiers: Orphanet 140162, MedGen C0027672, MeSH D009386, MONDO:0015356.
Hereditary breast ovarian cancer syndrome. Also called: BRCA1- and BRCA2-Associated Hereditary Breast and Ovarian Cancer; Hereditary breast and/or ovarian cancer syndrome; Hereditary breast and ovarian cancer; Hereditary breast and ovarian cancer syndrome; Hereditary breast and ovarian cancer syndrome (HBOC); Breast and ovarian cancer. Identifiers: Orphanet 145, MedGen C0677776, MeSH D061325, MONDO:0003582. Disease mechanism: loss of function.

Allele frequency attached by ClinVar (database versions not stated): gnomAD exomes below 0.00001; ExAC 0.00001; TOPMed 0.00001.
gnomAD v4.1: 1 of 1,607,966 alleles (0.000062%); highest among the groups gnomAD compares: South Asian, 0.0011%; no homozygotes.

Submissions (7):

Labcorp Genetics (formerly Invitae), Labcorp
Classification: Uncertain significance for Hereditary breast ovarian cancer syndrome. Last evaluated: 2025-06-15. Review status: criteria provided, single submitter. Criteria: Invitae Variant Classification Sherloc (09022015). Collection method: clinical testing. Allele origin: germline.
Comment: This sequence change replaces isoleucine, which is neutral and non-polar, with methionine, which is neutral and non-polar, at codon 2105 of the BRCA2 protein (p.Ile2105Met). This variant is present in population databases (rs398122552, gnomAD 0.003%). This variant has not been reported in the literature in individuals affected with BRCA2-related conditions. ClinVar contains an entry for this variant (Variation ID: 433801). Invitae Evidence Modeling of protein sequence and biophysical properties (such as structural, functional, and spatial information, amino acid conservation, physicochemical variation, residue mobility, and thermodynamic stability) indicates that this missense variant is not expected to disrupt BRCA2 protein function with a negative predictive value of 95%. In summary, the available evidence is currently insufficient to determine the role of this variant in disease. Therefore, it has been classified as a Variant of Uncertain Significance.

Ambry Genetics
Classification: Uncertain significance for Hereditary cancer-predisposing syndrome. Last evaluated: 2024-11-21. Review status: criteria provided, single submitter. Criteria: Ambry Variant Classification Scheme 2023. Collection method: clinical testing. Allele origin: germline.
Comment: The p.I2105M variant (also known as c.6315A>G), located in coding exon 10 of the BRCA2 gene, results from an A to G substitution at nucleotide position 6315. The isoleucine at codon 2105 is replaced by methionine, an amino acid with highly similar properties. This amino acid position is not well conserved in available vertebrate species, and methionine is the reference amino acid in other vertebrate species. In addition, this alteration is predicted to be tolerated by in silico analysis. Since supporting evidence is limited at this time, the clinical significance of this alteration remains unclear.

All of Us Research Program, National Institutes of Health
Classification: Uncertain significance for Breast-ovarian cancer, familial, susceptibility to, 2. Last evaluated: 2023-08-23. Review status: criteria provided, single submitter. Criteria: ACMG Guidelines, 2015. Collection method: clinical testing. Allele origin: germline. Inheritance: Autosomal dominant inheritance. Observed: 1 variant allele, 1 heterozygote.
Comment: This missense variant replaces isoleucine with methionine at codon 2105 of the BRCA2 protein. Computational prediction suggests that this variant may not impact protein structure and function (internally defined REVEL score threshold <= 0.5, PMID: 27666373). To our knowledge, functional studies have not been reported for this variant. This variant has not been reported in individuals affected with BRCA2-related disorders in the literature. This variant has been identified in 1/244588 chromosomes in the general population by the Genome Aggregation Database (gnomAD). The available evidence is insufficient to determine the role of this variant in disease conclusively. Therefore, this variant is classified as a Variant of Uncertain Significance.

This study involves interpretation of variants in research participants for the purpose of population health screening. Participant phenotype was not available at the time of variant classification. Additional details can be found in publication PMID: 35346344, PMCID: PMC8962531

Color Diagnostics, LLC DBA Color Health
Classification: Uncertain significance for Hereditary cancer-predisposing syndrome. Last evaluated: 2023-08-14. Review status: criteria provided, single submitter. Criteria: ACMG Guidelines, 2015. Collection method: clinical testing. Allele origin: germline.
Comment: This missense variant replaces isoleucine with methionine at codon 2105 of the BRCA2 protein. Computational prediction suggests that this variant may not impact protein structure and function (internally defined REVEL score threshold <= 0.5, PMID: 27666373). To our knowledge, functional studies have not been reported for this variant. This variant has not been reported in individuals affected with BRCA2-related disorders in the literature. This variant has been identified in 1/244588 chromosomes in the general population by the Genome Aggregation Database (gnomAD). The available evidence is insufficient to determine the role of this variant in disease conclusively. Therefore, this variant is classified as a Variant of Uncertain Significance.

University of Washington Department of Laboratory Medicine, University of Washington
Classification: Likely benign for Hereditary cancer-predisposing syndrome. Last evaluated: 2023-03-23. Review status: criteria provided, single submitter. Criteria: Dines et al. (Genet Med. 2020). Collection method: curation. Allele origin: germline.
Comment: Missense variant in a coldspot region where missense variants are very unlikely to be pathogenic (PMID:31911673).

BRCA2 exon 11 coldspot. Reclassification based on statistical prior probability.

Quest Diagnostics Nichols Institute San Juan Capistrano
Classification: Uncertain significance. Last evaluated: 2021-08-13. Review status: criteria provided, single submitter. Criteria: Quest Diagnostics criteria. Collection method: clinical testing. Allele origin: unknown.

Women's Health and Genetics/Laboratory Corporation of America, LabCorp
Classification: Uncertain significance. Last evaluated: 2018-09-17. Review status: criteria provided, single submitter. Criteria: LabCorp Variant Classification Summary - May 2015. Collection method: clinical testing. Allele origin: germline.
Comment: Variant summary: BRCA2 c.6315A>G (p.Ile2105Met) results in a conservative amino acid change in the encoded protein sequence. Four of four in-silico tools predict a benign effect of the variant on protein function. The variant allele was found at a frequency of 8.3e-06 in 119878 control chromosomes (gnomAD). The available data on variant occurrences in the general population are insufficient to allow any conclusion about variant significance. To our knowledge, no occurrence of c.6315A>G in individuals affected with Hereditary Breast and Ovarian Cancer and no experimental evidence demonstrating its impact on protein function have been reported. A ClinVar submission from a clinical diagnostic laboratory (evaluation after 2014) cites the variant as uncertain significance. Based on the evidence outlined above, the variant was classified as uncertain significance.

NM_000059.4(BRCA2):c.6315A>G (p.Ile2105Met)

Gene: BRCA2 (BRCA2 DNA repair associated; plus strand). Cytogenetic location: 13q13.1.
Variant type: single nucleotide variant.
Coding change: c.6315A>G on transcript NM_000059.4 (MANE Select); coding-DNA position 6315, A replaced by G.
Protein change: p.Ile2105Met; replaces isoleucine 2105 with methionine.
Molecular consequence: missense variant.
Genome position (GRCh38, 1-based): chr13:32,340,670, A>G. VCF-style: chr13-32340670-A-G. GRCh37 (hg19) VCF-style: chr13-32914807-A-G.
Other names: short protein forms I2105M.
Identifiers: ClinVar variation 433801 (VCV000433801.25), dbSNP rs398122552, ClinGen allele CA6940944.
Genomic context (GRCh38, chr13:32,340,670, plus strand): 5'-AATCAGAACTGAGCATAGTCTTCACTATTCACCTACGTCTAGACAAAATGTATCAAAAAT[A>G]CTTCCTCGTGTTGATAAGAGAAACCCAGAGCACTGTGTAAACTCAGAAATGGAAAAAACC-3'
Protein context (NP_000050.3, residues 2095-2115): SPTSRQNVSK[Ile2105Met]LPRVDKRNPE